The following is an entry in ClinVar:

NM_000492.4(CFTR):c.2938A>G (p.Ile980Val)

Genes: CFTR (CF transmembrane conductance regulator; plus strand), CFTR-AS2 (CFTR antisense RNA 2; minus strand). Cytogenetic location: 7q31.2.
Variant type: single nucleotide variant.
Coding change: c.2938A>G on transcript NM_000492.4 (MANE Select); coding-DNA position 2938, A replaced by G.
Protein change: p.Ile980Val; replaces isoleucine 980 with valine.
Molecular consequence: missense variant.
Genome position (GRCh38, 1-based): chr7:117,606,703, A>G. VCF-style: chr7-117606703-A-G. GRCh37 (hg19) VCF-style: chr7-117246757-A-G.
Other names: short protein forms I980V.
Identifiers: ClinVar variation 495918 (VCV000495918.4), dbSNP rs1554391473, ClinGen allele CA368989049.

ClinVar aggregate classification (germline): Uncertain significance. Review status: criteria provided, multiple submitters, no conflicts (2 of 4 stars). 4 submissions from 4 submitters: Uncertain significance (3). 1 of the submissions does not count toward it. Last evaluated 2024-04-25.

Conditions:
CFTR-related disorder (CFTR-RD). Also called: CFTR-related disorders; CFTR-related condition. Identifiers: MedGen C5924204, MONDO:7770004.
Cystic fibrosis (CF). Also called: MUCOVISCIDOSIS. Identifiers: Orphanet 586, MedGen C0010674, MONDO:0009061, OMIM 219700. Disease mechanism: loss of function.
Bronchiectasis with or without elevated sweat chloride 1 (BESC1). Also called: Cystic Fibrosis-Like Syndrome. Identifiers: Orphanet 60033, MedGen C2749757, MONDO:0008887, OMIM 211400.
Congenital bilateral aplasia of vas deferens from CFTR mutation (CBAVD). Identifiers: Orphanet 48, MedGen C0403814, MONDO:0010178, OMIM 277180. Disease mechanism: loss of function.
Hereditary pancreatitis (PCTT). Also called: PRSS1-Related Hereditary Pancreatitis; Hereditary chronic pancreatitis. Identifiers: Orphanet 676, MedGen C0238339, MONDO:0008185, OMIM 167800.

Allele frequency attached by ClinVar (database versions not stated): gnomAD exomes below 0.00001.
gnomAD v4.1: 1 of 1,593,010 alleles (0.000063%); no homozygotes.

Submissions (4):

Ambry Genetics
Classification: Uncertain significance for Cystic fibrosis. Last evaluated: 2024-04-25. Review status: criteria provided, single submitter. Criteria: Ambry Variant Classification Scheme 2023. Collection method: clinical testing. Allele origin: germline.
Comment: The p.I980V variant (also known as c.2938A>G), located in coding exon 18 of the CFTR gene, results from an A to G substitution at nucleotide position 2938. The isoleucine at codon 980 is replaced by valine, an amino acid with highly similar properties. This amino acid position is not well conserved in available vertebrate species. In addition, the in silico prediction for this alteration is inconclusive. Based on the available evidence, the clinical significance of this variant remains unclear.

Fulgent Genetics
Classification: Uncertain significance for Hereditary pancreatitis; Bronchiectasis with or without elevated sweat chloride 1; Cystic fibrosis; Congenital bilateral aplasia of vas deferens from CFTR mutation. Last evaluated: 2021-12-21. Review status: criteria provided, single submitter. Criteria: ACMG Guidelines, 2015. Collection method: clinical testing. Allele origin: unknown.

Women's Health and Genetics/Laboratory Corporation of America, LabCorp
Classification: Uncertain significance. Last evaluated: 2016-08-30. Review status: criteria provided, single submitter. Criteria: LabCorp Variant Classification Summary - May 2015. Collection method: clinical testing. Allele origin: germline.
Comment: Variant summary: The CFTR c.2938A>G (p.Ile980Val) variant involves the alteration of a conserved nucleotide. 3/5 in silico tools predict a benign outcome for this variant. This variant is absent in 121182 control chromosomes. The variant of interest has not, to our knowledge, been reported in affected individuals via publications and/or reputable databases/clinical diagnostic laboratories; nor evaluated for functional impact by in vivo/vitro studies. Because of the absence of clinical information and the lack of functional studies, the variant is classified as a variant of uncertain significance (VUS) until additional information becomes available.

Natera, Inc.
Classification: Uncertain significance for CFTR-related disorders. Last evaluated: 2018-05-01. Review status: no assertion criteria provided. Collection method: clinical testing. Allele origin: germline. Not counted in ClinVar's aggregate classification.